The following is an entry in ClinVar:

ClinVar aggregate classification (germline): Uncertain significance. Review status: criteria provided, multiple submitters, no conflicts (2 of 4 stars). 3 submissions from 3 submitters: Uncertain significance (3). Last evaluated 2024-02-13.

Conditions:
Autosomal dominant limb-girdle muscular dystrophy type 1G (LGMDD3). Also called: Limb-girdle muscular dystrophy, type 1G; MUSCULAR DYSTROPHY, LIMB-GIRDLE, AUTOSOMAL DOMINANT 3. Identifiers: Orphanet 55596, MedGen C1836765, MONDO:0012193, OMIM 609115.

gnomAD v4.1: 14 of 1,613,392 alleles (0.00087%); highest among the groups gnomAD compares: South Asian, 0.0099%; no homozygotes.

Submissions (3):

Ambry Genetics
Classification: Uncertain significance. Last evaluated: 2024-02-13. Review status: criteria provided, single submitter. Criteria: Ambry Variant Classification Scheme 2023. Collection method: clinical testing. Allele origin: germline.

Department of Pathology and Laboratory Medicine, Sinai Health System
Classification: Uncertain significance for Autosomal dominant limb-girdle muscular dystrophy type 1G. Last evaluated: 2022-07-19. Review status: criteria provided, single submitter. Criteria: ACMG Guidelines, 2015. Collection method: research. Allele origin: germline.

Labcorp Genetics (formerly Invitae), Labcorp
Classification: Uncertain significance for Autosomal dominant limb-girdle muscular dystrophy type 1G. Last evaluated: 2021-04-14. Review status: criteria provided, single submitter. Criteria: Invitae Variant Classification Sherloc (09022015). Collection method: clinical testing. Allele origin: germline.
Comment: This variant is present in population databases (rs780878669, ExAC 0.02%). In summary, the available evidence is currently insufficient to determine the role of this variant in disease. Therefore, it has been classified as a Variant of Uncertain Significance. Algorithms developed to predict the effect of missense changes on protein structure and function are either unavailable or do not agree on the potential impact of this missense change (SIFT: "Deleterious"; PolyPhen-2: "Benign"; Align-GVGD: "Class C0"). This variant has not been reported in the literature in individuals with HNRNPDL-related disease. This sequence change replaces arginine with proline at codon 109 of the HNRNPDL protein (p.Arg109Pro). The arginine residue is moderately conserved and there is a moderate physicochemical difference between arginine and proline.

NM_031372.4(HNRNPDL):c.326G>C (p.Arg109Pro)

Gene: HNRNPDL (heterogeneous nuclear ribonucleoprotein D like; minus strand). Cytogenetic location: 4q21.22.
Variant type: single nucleotide variant.
Coding change: c.326G>C on transcript NM_031372.4 (MANE Select); coding-DNA position 326, G replaced by C.
Protein change: p.Arg109Pro; replaces arginine 109 with proline.
Molecular consequence: missense variant. On other transcripts: non-coding transcript variant (1).
Genome position (GRCh38, 1-based): chr4:82,429,365, C>G on the plus strand (G>C on the coding strand, the complement: HNRNPDL is on the minus strand). VCF-style: chr4-82429365-C-G. GRCh37 (hg19) VCF-style: chr4-83350518-C-G.
Other names: c.326G>C, p.Arg109Pro (NM_001207000.1); short protein forms R109P.
Identifiers: ClinVar variation 655329 (VCV000655329.11), dbSNP rs780878669, ClinGen allele CA2985047.